The following is an entry in ClinVar:

NM_005257.6(GATA6):c.1342C>T (p.His448Tyr)

Gene: GATA6 (GATA binding protein 6; plus strand). Cytogenetic location: 18q11.2.
Variant type: single nucleotide variant.
Coding change: c.1342C>T on transcript NM_005257.6 (MANE Select); coding-DNA position 1342, C replaced by T.
Protein change: p.His448Tyr; replaces histidine 448 with tyrosine.
Molecular consequence: missense variant.
Genome position (GRCh38, 1-based): chr18:22,181,492, C>T. VCF-style: chr18-22181492-C-T. GRCh37 (hg19) VCF-style: chr18-19761453-C-T.
Other names: short protein forms H448Y.
Identifiers: ClinVar variation 1805697 (VCV001805697.2), dbSNP rs774280237, ClinGen allele CA8908965.
Genomic context (GRCh38, chr18:22,181,492, plus strand): 5'-ATGTTCTTGTACTGTTTCTAGCCTTCATCACGGCGGCTTGGATTGTCCTGTGCCAACTGT[C>T]ACACCACAACTACCACCTTATGGCGCAGAAACGCCGAGGGTGAACCCGTGTGCAATGCTT-3'
Protein context (NP_005248.2, residues 438-458): RRLGLSCANC[His448Tyr]TTTTTLWRRN

ClinVar aggregate classification (germline): Uncertain significance. Review status: criteria provided, multiple submitters, no conflicts (2 of 4 stars). 2 submissions from 2 submitters: Uncertain significance (2). Last evaluated 2025-09-10.

Conditions:
Atrioventricular septal defect 5 (AVSD5). Identifiers: MedGen C3280939, MONDO:0013769, OMIM 614474.
Atrial septal defect 9 (ASD9). Identifiers: Orphanet 1478, MedGen C3280943, MONDO:0013770, OMIM 614475.

Allele frequency attached by ClinVar (database versions not stated): gnomAD exomes below 0.00001; ExAC 0.00001; gnomAD 0.00001; TOPMed 0.00001.
gnomAD v4.1: 11 of 1,614,062 alleles (0.00068%); highest among the groups gnomAD compares: East Asian, 0.011%; no homozygotes.

Submissions (2):

Labcorp Genetics (formerly Invitae), Labcorp
Classification: Uncertain significance for Atrioventricular septal defect 5. Last evaluated: 2025-09-10. Review status: criteria provided, single submitter. Criteria: Invitae Variant Classification Sherloc (09022015). Collection method: clinical testing. Allele origin: germline.
Comment: This sequence change replaces histidine, which is basic and polar, with tyrosine, which is neutral and polar, at codon 448 of the GATA6 protein (p.His448Tyr). This variant is present in population databases (rs774280237, gnomAD 0.01%). This variant has not been reported in the literature in individuals affected with GATA6-related conditions. ClinVar contains an entry for this variant (Variation ID: 1805697). Invitae Evidence Modeling of protein sequence and biophysical properties (such as structural, functional, and spatial information, amino acid conservation, physicochemical variation, residue mobility, and thermodynamic stability) indicates that this missense variant is expected to disrupt GATA6 protein function with a positive predictive value of 80%. In summary, the available evidence is currently insufficient to determine the role of this variant in disease. Therefore, it has been classified as a Variant of Uncertain Significance.

Victorian Clinical Genetics Services, Murdoch Childrens Research Institute
Classification: Uncertain significance for Atrial septal defect 9. Last evaluated: 2019-08-28. Review status: criteria provided, single submitter. Criteria: ACMG Guidelines, 2015. Collection method: clinical testing. Allele origin: germline. Inheritance: Autosomal dominant inheritance. Affected: yes.
Comment: A heterozygous missense variant was identified, NM_005257.5(GATA6):c.1342C>T in exon 4 of 7 of the GATA6 gene. This substitution is predicted to create a moderate amino acid change from histidine to tyrosine at position 448 of the protein, NP_005248.2(GATA6):p.(His448Tyr). The histidine at this position has moderate conservation (100 vertebrates, UCSC), and is located within the GATA-type 2 zinc finger functional domain. In silico software predictions of the pathogenicity of this variant are conflicting (Polyphen, SIFT, CADD, Mutation Taster). The variant is present in the gnomAD population database at a frequency of 0.00071% (2 heterozygotes). An alternative residue change at the same location has also been reported in the gnomAD database at a frequency of 0.00040%. The variant has not been previously reported in a clinical testing setting. Based on information available at the time of curation, this variant has been classified as a VARIANT of UNCERTAIN SIGNIFICANCE (VUS).